The following is an entry in ClinVar:

ClinVar aggregate classification (germline): Pathogenic. Review status: reviewed by expert panel (3 of 4 stars). 18 submissions from 18 submitters: Pathogenic (1). 17 of the submissions do not count toward it. Last evaluated 2016-04-03.

Conditions:
Breast and/or ovarian cancer. Identifiers: MedGen CN221562.
Hereditary cancer-predisposing syndrome. Also called: Tumor predisposition; Neoplastic Syndromes, Hereditary; Hereditary Cancer Syndrome; Hereditary neoplastic syndrome. Identifiers: Orphanet 140162, MedGen C0027672, MeSH D009386, MONDO:0015356.
Hereditary breast ovarian cancer syndrome. Also called: Hereditary breast and ovarian cancer syndrome (HBOC); Hereditary breast and ovarian cancer syndrome; Hereditary breast and ovarian cancer; Hereditary breast and/or ovarian cancer syndrome; Breast and ovarian cancer; BRCA1- and BRCA2-Associated Hereditary Breast and Ovarian Cancer. Identifiers: Orphanet 145, MedGen C0677776, MeSH D061325, MONDO:0003582. Disease mechanism: loss of function.
Breast-ovarian cancer, familial, susceptibility to, 1 (BROVCA1). Also called: OVARIAN CANCER, SUSCEPTIBILITY TO; BRCA1 Hereditary Breast and Ovarian Cancer. Identifiers: Orphanet 145, MedGen C2676676, MONDO:0011450, OMIM 604370. Disease mechanism: loss of function.

Submissions 1 to 8 of 18:

Evidence-based Network for the Interpretation of Germline Mutant Alleles (ENIGMA)
Classification: Pathogenic for Breast-ovarian cancer, familial, susceptibility to, 1. Last evaluated: 2016-04-03. Review status: reviewed by expert panel. Criteria: ENIGMA BRCA1/2 Classification Criteria (2015). Collection method: curation. Allele origin: germline.
Comment: Allele-specific assay on patient-derived mRNA demonstrated that the variant allele produces only predicted non-functional transcripts. Variant allele produces r.442_547del transcript (encoding predicted non-functional protein).

Women's Health and Genetics/Laboratory Corporation of America, LabCorp
Classification: Pathogenic for Hereditary breast ovarian cancer syndrome. Last evaluated: 2025-05-05. Review status: criteria provided, single submitter. Criteria: LabCorp Variant Classification Summary - May 2015. Collection method: clinical testing. Allele origin: germline. Not counted in ClinVar's aggregate classification.
Comment: Variant summary: BRCA1 c.547+2T>A is located in a canonical splice-site and is predicted to affect mRNA splicing resulting in a significantly altered protein due to either exon skipping, shortening, or inclusion of intronic material. Variants that disrupt the consensus splice site are a relatively common cause of aberrant splicing and loss of BRCA1 function. Several computational tools predict a significant impact on normal splicing: Four predict the variant abolishes a 5' splicing donor site. At least one publication reports experimental evidence that this variant affects mRNA splicing (Steffensen_2014). The frequency data for this variant in gnomAD is considered unreliable, as metrics indicate poor data quality at this position. c.547+2T>A has been observed in individual(s) affected with Hereditary Breast And Ovarian Cancer Syndrome (example: Shattuck-Eidens_1997). The following publications have been ascertained in the context of this evaluation (PMID: 9333265, 24667779). ClinVar contains an entry for this variant (Variation ID: 37674). Based on the evidence outlined above, the variant was classified as pathogenic.

Labcorp Genetics (formerly Invitae), Labcorp
Classification: Pathogenic for Hereditary breast ovarian cancer syndrome. Last evaluated: 2025-04-30. Review status: criteria provided, single submitter. Criteria: Invitae Variant Classification Sherloc (09022015). Collection method: clinical testing. Allele origin: germline. Not counted in ClinVar's aggregate classification.
Comment: This sequence change affects a donor splice site in intron 7 of the BRCA1 gene. RNA analysis indicates that disruption of this splice site induces altered splicing and may result in an absent or altered protein product. This variant is not present in population databases (gnomAD no frequency). Disruption of this splice site has been observed in individual(s) with breast and/or ovarian cancer (PMID: 9333265, 23940062, 25556971). This variant is also known as IVS8+2T>A. ClinVar contains an entry for this variant (Variation ID: 37674). Studies have shown that disruption of this splice site alters mRNA splicing and is expected to lead to the loss of protein expression (PMID: 24667779). For these reasons, this variant has been classified as Pathogenic.

Baylor Genetics
Classification: Pathogenic for Breast-ovarian cancer, familial, susceptibility to, 1. Last evaluated: 2023-05-11. Review status: criteria provided, single submitter. Criteria: ACMG Guidelines, 2015. Collection method: clinical testing. Allele origin: unknown. Not counted in ClinVar's aggregate classification.

Quest Diagnostics Nichols Institute San Juan Capistrano
Classification: Pathogenic. Last evaluated: 2023-03-28. Review status: criteria provided, single submitter. Criteria: Quest Diagnostics criteria. Collection method: clinical testing. Allele origin: unknown. Not counted in ClinVar's aggregate classification.
Comment: This variant disrupts a canonical splice-donor site and interferes with normal BRCA1 mRNA splicing. It has not been reported in large, multi-ethnic general populations. In the published literature, the variant has been reported in individuals with breast cancer (PMID: 23940062 (2013), 25452441 (2015), 25556971 (2015)) and ovarian cancer (PMID: 30606148 (2019), 25556971 (2015)). Published functional studies show that this variant causes aberrant mRNA splicing that result in skipping of exon 8 (PMID: 10479726 (1999), 22505045 (2012), 23451180 (2013), 24667779 (2014)). Based on the available information, this variant is classified as pathogenic.

Color Diagnostics, LLC DBA Color Health
Classification: Pathogenic for Hereditary cancer-predisposing syndrome. Last evaluated: 2023-02-10. Review status: criteria provided, single submitter. Criteria: ACMG Guidelines, 2015. Collection method: clinical testing. Allele origin: germline. Not counted in ClinVar's aggregate classification.
Comment: This variant causes a T to A nucleotide substitution at the +2 position of intron 7 of the BRCA1 gene. RNA studies have reported that the variant causes the out-of-frame skipping of exon 7, resulting in premature termination, in RNA derived from carriers and in a minigene splicing assay (PMID: 10479726, 22505045, 23451180, 24667779). This variant has been detected in at least seven individuals affected with breast or ovarian cancer (PMID: 10479726, 25452441, 27328445, 28423363, 30128899, 30606148; Color internal data). This variant has not been identified in the general population by the Genome Aggregation Database (gnomAD). Loss of BRCA1 function is a known mechanism of disease. Based on the available evidence, this variant is classified as Pathogenic.

Ambry Genetics
Classification: Pathogenic for Hereditary cancer-predisposing syndrome. Last evaluated: 2022-09-14. Review status: criteria provided, single submitter. Criteria: Ambry Variant Classification Scheme 2023. Collection method: clinical testing. Allele origin: germline. Not counted in ClinVar's aggregate classification.
Comment: The c.547+2T>A intronic pathogenic mutation results from a T to A substitution two nucleotides after coding exon 6 in the BRCA1 gene. This nucleotide position is highly conserved in available vertebrate species. This alteration has been detected in numerous patients and families affected with breast and/or ovarian cancer (Pyne MT et al. Mutat. Res. 1999 Aug;406:101-7; Johnston JJ et al. Am. J. Hum. Genet. 2012 Jul;91:97-108; Tedaldi G et al. Oncotarget 2017 Jul;8:47064-47075; Marchetti C et al. Ann. Surg. Oncol. 2018 Nov;25(12):3701-3708; Cotrim DP et al. BMC Cancer. 2019 Jan;19(1):4). RNA studies have demonstrated that this alteration causes coding exon 6 skipping (total exon 8 in the literature), which results in a transcript that is subject to nonsense-mediated mRNA decay (Ambry internal data; Pyne MT et al. Mutat. Res. 1999 Aug;406:101-7; Houdayer C et al. Hum. Mutat. 2012 Aug;33:1228-38; Colombo M et al. PLoS ONE 2013 Feb;8:e57173). In silico splice site analysis predicts that this alteration will weaken the native splice donor site. Based on the supporting evidence, this alteration is interpreted as a disease-causing mutation.

Genetics and Molecular Pathology, SA Pathology
Classification: Pathogenic for Breast-ovarian cancer, familial, susceptibility to, 1. Last evaluated: 2022-03-01. Review status: criteria provided, single submitter. Criteria: ACMG Guidelines, 2015. Collection method: clinical testing. Allele origin: germline. Affected: no. Not counted in ClinVar's aggregate classification.
Comment: The BRCA1:c.547+2T>A variant is classified as PATHOGENIC (ENIGMA criteria 2017) BRCA1:c.547+2T>A is a single nucleotide substitution in intron 8 at +2 bases from the last nucleotide of exon 8. BRCA1:c.547+2T>A is also described as IVS8+2T>A in the scientific literature using legacy nomenclature. This variant is predicted to effect aberrant splicing. Functional studies confirm BRCA1:c.547+2T>A results in skipping of exon 8 generating a frameshift transcript (BRCA1:r.442_547) that encodes premature termination of the protein synthesis (BRCA1:p.Gln148AspfsTer51) (Houdayer et al., 2012, PMID:22505045, Colombo et al., 2013, PMID:23451180). This variant has been reviewed by the ENIGMA expert review panel: ENIGMA determine BRCA1:c.547+2T>A as consistent with an IARC Class 5 variant equivalent to ACMG classification of Pathogenic. BRCA1:c.547+2T>A (rs80358047) is absent from population databases and is not on record in FLOSSIES. BRCA1:c.547+2T>A has been reported in multiple unrelated individuals with breast or ovarian cancer (Marchetti et al., 2018, PMID:30128899, Shattuck-Eidens et al., 1997 PMID:9333265, Trujillano et al., 2015 PMID:25556971). BRCA1:c.547+2T>A is on record in ClinVar (Variation ID:37674) reported by multiple clinical laboratories without conflict as pathogenic in association with Hereditary breast and ovarian cancer syndrome. This variant is listed in HGMD as ‘disease causing mutation’ in association with breast and/or ovarian cancer (Accession:CS973719).

NM_007294.4(BRCA1):c.547+2T>A

Gene: BRCA1 (BRCA1 DNA repair associated; minus strand). Cytogenetic location: 17q21.31.
Variant type: single nucleotide variant.
Coding change: c.547+2T>A on transcript NM_007294.4 (MANE Select); the canonical splice donor site of the intron after coding-DNA position 547, T replaced by A.
Molecular consequence: splice donor variant. On other transcripts: intron variant (2).
Genome position (GRCh38, 1-based): chr17:43,099,773, A>T on the plus strand (T>A on the coding strand, the complement: BRCA1 is on the minus strand). VCF-style: chr17-43099773-A-T. GRCh37 (hg19) VCF-style: chr17-41251790-A-T.
Other names: IVS8+2T>A; c.544+2T>A (NM_001408400.1, NM_001408392.1, NM_001407986.1 and 65 more transcripts); c.547+2T>A (NM_001408441.1, NM_001408437.1, NM_001408429.1 and 96 more transcripts); c.406+2T>A (NM_001407724.1, NM_001407697.1, NM_001408410.1 and 61 more transcripts); c.403+2T>A (NM_001407838.1, NM_001407741.1, NM_001407931.1 and 35 more transcripts); c.469+2T>A (NM_001408415.1, NM_001408412.1, NM_001407656.1 and 12 more transcripts); c.337+2T>A (NM_001408483.1, NM_001407885.1, NM_001407886.1 and 37 more transcripts); c.-218-4913T>A (NM_001407967.1, NM_001407966.1); and 6 more.
Identifiers: ClinVar variation 37674 (VCV000037674.36), dbSNP rs80358047, ClinGen allele CA003636.